The following is an entry in ClinVar:

NM_006030.4(CACNA2D2):c.2971+4G>A

Genes: CACNA2D2 (calcium voltage-gated channel auxiliary subunit alpha2delta 2; minus strand), LOC101928965 (uncharacterized LOC101928965; plus strand), LOC127898564 (CYB561D2-LOC101928965; plus strand). Cytogenetic location: 3p21.31.
Variant type: single nucleotide variant.
Coding change: c.2971+4G>A on transcript NM_006030.4 (MANE Select); 4 bases into the intron after coding-DNA position 2971, G replaced by A.
Molecular consequence: intron variant. On other transcripts: non-coding transcript variant (2).
Genome position (GRCh38, 1-based): chr3:50,365,629, C>T on the plus strand (G>A on the coding strand, the complement: CACNA2D2 is on the minus strand). VCF-style: chr3-50365629-C-T. GRCh37 (hg19) VCF-style: chr3-50403060-C-T.
Other names: c.2764+4G>A (NM_001291101.1); c.2971+4G>A (NM_001005505.3); c.2992+4G>A (NM_001174051.3).
Identifiers: ClinVar variation 1437738 (VCV001437738.6), dbSNP rs987690008, ClinGen allele CA74606737.

ClinVar aggregate classification (germline): Uncertain significance (1 of 4 stars; one submission).

Conditions:
Developmental and epileptic encephalopathy. Identifiers: MedGen C5779964, MONDO:0100620.

Allele frequency attached by ClinVar (database versions not stated): gnomAD 0.00001; TOPMed 0.00001.
gnomAD v4.1: 3 of 1,576,204 alleles (0.00019%); highest among the groups gnomAD compares: Admixed American, 0.0019%; no homozygotes.

Submission:

Labcorp Genetics (formerly Invitae), Labcorp
Classification: Uncertain significance for Early-infantile DEE. Last evaluated: 2023-08-04. Review status: criteria provided, single submitter. Criteria: Invitae Variant Classification Sherloc (09022015). Collection method: clinical testing. Allele origin: germline.
Comment: In summary, the available evidence is currently insufficient to determine the role of this variant in disease. Therefore, it has been classified as a Variant of Uncertain Significance. Variants that disrupt the consensus splice site are a relatively common cause of aberrant splicing (PMID: 17576681, 9536098). Algorithms developed to predict the effect of sequence changes on RNA splicing suggest that this variant is not likely to affect RNA splicing. ClinVar contains an entry for this variant (Variation ID: 1437738). This variant has not been reported in the literature in individuals affected with CACNA2D2-related conditions. This variant is not present in population databases (gnomAD no frequency). This sequence change falls in intron 34 of the CACNA2D2 gene. It does not directly change the encoded amino acid sequence of the CACNA2D2 protein. It affects a nucleotide within the consensus splice site.

Literature cited by the submitters: PubMed 17576681; PubMed 9536098.